The following is an entry in ClinVar:

NM_003177.7(SYK):c.145G>A (p.Gly49Ser)

Gene: SYK (spleen associated tyrosine kinase; plus strand). Cytogenetic location: 9q22.2.
Variant type: single nucleotide variant.
Coding change: c.145G>A on transcript NM_003177.7 (MANE Select); coding-DNA position 145, G replaced by A.
Protein change: p.Gly49Ser; replaces glycine 49 with serine.
Molecular consequence: missense variant.
Genome position (GRCh38, 1-based): chr9:90,844,043, G>A. VCF-style: chr9-90844043-G-A. GRCh37 (hg19) VCF-style: chr9-93606325-G-A.
Other names: c.145G>A, p.Gly49Ser (NM_001135052.4, NM_001174167.3, NM_001174168.3); short protein forms G49S.
Identifiers: ClinVar variation 2659298 (VCV002659298.24), dbSNP rs2118631757, ClinGen allele CA373790003.

ClinVar aggregate classification (germline): Uncertain significance (1 of 4 stars; one submission).

gnomAD v4.1: 1 of 1,612,778 alleles (0.000062%); highest among the groups gnomAD compares: South Asian, 0.0011%; no homozygotes.

Submission:

CeGaT Center for Human Genetics Tuebingen
Classification: Uncertain significance. Last evaluated: 2023-01-01. Review status: criteria provided, single submitter. Criteria: CeGaT Center For Human Genetics Tuebingen Variant Classification Criteria Version 2. Collection method: clinical testing. Allele origin: germline. Affected: yes. Observed: 1 variant allele.
Comment: SYK: PM2, PP3